The following is an entry in ClinVar:

NM_000195.5(HPS1):c.83T>A (p.Leu28Gln)

Gene: HPS1 (HPS1 biogenesis of lysosomal organelles complex 3 subunit 1; minus strand). Cytogenetic location: 10q24.2.
Variant type: single nucleotide variant.
Coding change: c.83T>A on transcript NM_000195.5 (MANE Select); coding-DNA position 83, T replaced by A.
Protein change: p.Leu28Gln; replaces leucine 28 with glutamine.
Molecular consequence: missense variant. On other transcripts: 5 prime UTR variant (6).
Genome position (GRCh38, 1-based): chr10:98,443,158, A>T on the plus strand (T>A on the coding strand, the complement: HPS1 is on the minus strand). VCF-style: chr10-98443158-A-T. GRCh37 (hg19) VCF-style: chr10-100202915-A-T.
Other names: c.83T>A (NM_000195.4); c.-834T>A (NM_001311345.2); c.83T>A, p.Leu28Gln (NM_001322476.2, NM_001322477.2, NM_001322478.2 and 8 more transcripts); c.-144T>A (NM_001322483.2, NM_001322484.2, NM_001322485.2); c.-933T>A (NM_001322487.2); c.-691T>A (NM_001322489.2); short protein forms L28Q.
Identifiers: ClinVar variation 1378710 (VCV001378710.7), dbSNP rs374679558, ClinGen allele CA378056945.
Genomic context (GRCh38, chr10:98,443,158, plus strand): 5'-CCTGGGACTGCCTACCCTGCACTCACCTCTTCTTCCTCATTCTCTGACTGCCCGAACTTC[A>T]GCCGGAGACTCTCTTCAAACTCCTGATCTGTCCAGTAGAAGAGGACCTCTGCGCCCTCAG-3'
Protein context (NP_000186.2, residues 18-38): TDQEFEESLR[Leu28Gln]KFGQSENEEE

ClinVar aggregate classification (germline): Uncertain significance. Review status: criteria provided, multiple submitters, no conflicts (2 of 4 stars). 3 submissions from 3 submitters: Uncertain significance (2). 1 of the submissions does not count toward it. Last evaluated 2024-02-26.

Conditions:
Hermansky-Pudlak syndrome 1 (HPS1). Also called: DELTA STORAGE POOL DISEASE. Identifiers: Orphanet 231500, Orphanet 79430, MedGen C2931875, MONDO:0008748, OMIM 203300.
Hermansky-Pudlak syndrome (HPS). Also called: ALBINISM WITH HEMORRHAGIC DIATHESIS AND PIGMENTED RETICULOENDOTHELIAL CELLS. Identifiers: Orphanet 79430, MedGen C0079504, MONDO:0019312.

gnomAD v4.1: 3 of 1,613,940 alleles (0.00019%); highest among the groups gnomAD compares: Non-Finnish European, 0.00025%; no homozygotes.

Submissions (3):

Labcorp Genetics (formerly Invitae), Labcorp
Classification: Uncertain significance. Last evaluated: 2024-02-26. Review status: criteria provided, single submitter. Criteria: Invitae Variant Classification Sherloc (09022015). Collection method: clinical testing. Allele origin: germline.
Comment: This sequence change replaces leucine, which is neutral and non-polar, with glutamine, which is neutral and polar, at codon 28 of the HPS1 protein (p.Leu28Gln). This variant is not present in population databases (gnomAD no frequency). This variant has not been reported in the literature in individuals affected with HPS1-related conditions. ClinVar contains an entry for this variant (Variation ID: 1378710). Advanced modeling of protein sequence and biophysical properties (such as structural, functional, and spatial information, amino acid conservation, physicochemical variation, residue mobility, and thermodynamic stability) performed at Invitae indicates that this missense variant is not expected to disrupt HPS1 protein function with a negative predictive value of 80%. In summary, the available evidence is currently insufficient to determine the role of this variant in disease. Therefore, it has been classified as a Variant of Uncertain Significance.

Fulgent Genetics
Classification: Uncertain significance for Hermansky-Pudlak syndrome 1. Last evaluated: 2022-04-12. Review status: criteria provided, single submitter. Criteria: ACMG Guidelines, 2015. Collection method: clinical testing. Allele origin: unknown.

Natera, Inc.
Classification: Uncertain significance for Hermansky-Pudlak syndrome. Last evaluated: 2025-04-12. Review status: no assertion criteria provided. Collection method: clinical testing. Allele origin: germline. Not counted in ClinVar's aggregate classification.